The following is an entry in ClinVar:

NM_014727.3(KMT2B):c.5484C>T (p.Val1828=)

Gene: KMT2B (lysine methyltransferase 2B; plus strand). Cytogenetic location: 19q13.12.
Variant type: single nucleotide variant.
Coding change: c.5484C>T on transcript NM_014727.3 (MANE Select); coding-DNA position 5484, C replaced by T.
Protein change: p.Val1828=; no amino-acid change (valine 1828 retained).
Molecular consequence: synonymous variant.
Genome position (GRCh38, 1-based): chr19:35,731,954, C>T. VCF-style: chr19-35731954-C-T. GRCh37 (hg19) VCF-style: chr19-36222855-C-T.
Identifiers: ClinVar variation 1542947 (VCV001542947.15), dbSNP rs765572008, ClinGen allele CA9385433.
Genomic context (GRCh38, chr19:35,731,954, plus strand): 5'-TCTCGCCTCTTCAGAGCCCCCAGGTGGTGAGGACCCCCCACTGGACACAGATGTTCTTGT[C>T]CCTGGAGCTCCTGAGCGCCACTCGCCCATTCAGAACCTGGACCCTCCACTGCGGCCAGAT-3'
Protein context (NP_055542.1, residues 1818-1838): EDPPLDTDVL[Val1828=]PGAPERHSPI

ClinVar aggregate classification (germline): Likely benign. Review status: criteria provided, multiple submitters, no conflicts (2 of 4 stars). 2 submissions from 2 submitters: Likely benign (2). Last evaluated 2025-07-30.

Allele frequency attached by ClinVar (database versions not stated): gnomAD exomes 0.00001 and 0.00002; ExAC 0.00003; gnomAD 0.00003 and 0.00004; TOPMed 0.00004.
gnomAD v4.1: 14 of 1,613,718 alleles (0.00087%); highest among the groups gnomAD compares: East Asian, 0.013%; no homozygotes.

Submissions (2):

Labcorp Genetics (formerly Invitae), Labcorp
Classification: Likely benign. Last evaluated: 2025-07-30. Review status: criteria provided, single submitter. Criteria: Invitae Variant Classification Sherloc (09022015). Collection method: clinical testing. Allele origin: germline.

CeGaT Center for Human Genetics Tuebingen
Classification: Likely benign. Last evaluated: 2025-04-01. Review status: criteria provided, single submitter. Criteria: CeGaT Center For Human Genetics Tuebingen Variant Classification Criteria Version 2. Collection method: clinical testing. Allele origin: germline. Affected: yes. Observed: 1 variant allele.
Comment: KMT2B: BP4, BP7